The following is an entry in ClinVar:

NM_000821.7(GGCX):c.1231G>A (p.Val411Met)

Gene: GGCX (gamma-glutamyl carboxylase; minus strand). Cytogenetic location: 2p11.2.
Variant type: single nucleotide variant.
Coding change: c.1231G>A on transcript NM_000821.7 (MANE Select); coding-DNA position 1231, G replaced by A.
Protein change: p.Val411Met; replaces valine 411 with methionine.
Molecular consequence: missense variant.
Genome position (GRCh38, 1-based): chr2:85,552,995, C>T on the plus strand (G>A on the coding strand, the complement: GGCX is on the minus strand). VCF-style: chr2-85552995-C-T. GRCh37 (hg19) VCF-style: chr2-85780118-C-T.
Other names: c.1060G>A, p.Val354Met (NM_001142269.4); short protein forms V354M, V411M.
Identifiers: ClinVar variation 1916988 (VCV001916988.2), dbSNP rs201007172, ClinGen allele CA347486913.
Genomic context (GRCh38, chr2:85,552,995, plus strand): 5'-TCACCCCAGGGTTAAGGTAGCCCAGTTCGCCAGTGCGGCCATCACGGTAGGTGATCTTCA[C>T]GTGCTGGTGGGAGCGGGAGTGCACCATCATGTCCCAGGAATAGCCATACAGCCCATTTGT-3'
Protein context (NP_000812.2, residues 401-421): MMVHSRSHQH[Val411Met]KITYRDGRTG

ClinVar aggregate classification (germline): Uncertain significance (1 of 4 stars; one submission).

gnomAD v4.1: 18 of 1,614,016 alleles (0.0011%); highest among the groups gnomAD compares: South Asian, 0.0077%; no homozygotes.

Submission:

Labcorp Genetics (formerly Invitae), Labcorp
Classification: Uncertain significance. Last evaluated: 2022-05-01. Review status: criteria provided, single submitter. Criteria: Invitae Variant Classification Sherloc (09022015). Collection method: clinical testing. Allele origin: germline.
Comment: This sequence change replaces valine, which is neutral and non-polar, with methionine, which is neutral and non-polar, at codon 411 of the GGCX protein (p.Val411Met). This variant is present in population databases (no rsID available, gnomAD 0.003%). This variant has not been reported in the literature in individuals affected with GGCX-related conditions. Algorithms developed to predict the effect of missense changes on protein structure and function are either unavailable or do not agree on the potential impact of this missense change (SIFT: "Deleterious"; PolyPhen-2: "Probably Damaging"; Align-GVGD: "Class C0"). In summary, the available evidence is currently insufficient to determine the role of this variant in disease. Therefore, it has been classified as a Variant of Uncertain Significance.